The following is an entry in ClinVar:

NM_003891.3(PROZ):c.884G>A (p.Arg295His)

Genes: PCID2 (PCI domain containing 2; minus strand), PROZ (protein Z, vitamin K dependent plasma glycoprotein; plus strand). Cytogenetic location: 13q34.
Variant type: single nucleotide variant.
Coding change: c.884G>A on transcript NM_003891.3 (MANE Select); coding-DNA position 884, G replaced by A.
Protein change: p.Arg295His; replaces arginine 295 with histidine.
Molecular consequence: missense variant.
Genome position (GRCh38, 1-based): chr13:113,171,786, G>A. VCF-style: chr13-113171786-G-A. GRCh37 (hg19) VCF-style: chr13-113826100-G-A.
Other names: c.950G>A, p.Arg317His (NM_001256134.2); short protein forms R295H, R317H.
Identifiers: ClinVar variation 3056128 (VCV003056128.2), dbSNP rs3024772, ClinGen allele CA7061137.

ClinVar aggregate classification (germline): Likely benign (0 of 4 stars; one submission).

Conditions:
PROZ-related disorder. Also called: PROZ-related condition.

Allele frequency attached by ClinVar (database versions not stated): 1000 Genomes Project 0.01398; 1000 Genomes Project 30x 0.01468; gnomAD 0.02278; TOPMed 0.02317; ESP Exome Variant Server 0.02591.
gnomAD v4.1: 48,145 of 1,612,768 alleles (3%); highest among the groups gnomAD compares: Non-Finnish European, 3.5%; 877 homozygotes.

Submission:

PreventionGenetics, part of Exact Sciences
Classification: Likely benign for PROZ-related condition. Last evaluated: 2024-02-07. Review status: no assertion criteria provided. Collection method: clinical testing. Allele origin: germline.
Comment: This variant is classified as likely benign based on ACMG/AMP sequence variant interpretation guidelines (Richards et al. 2015 PMID: 25741868, with internal and published modifications).